The following is an entry in ClinVar:

ClinVar aggregate classification (germline): Likely benign. Review status: criteria provided, multiple submitters, no conflicts (2 of 4 stars). 3 submissions from 3 submitters: Likely benign (3). Last evaluated 2026-02-04.

Conditions:
Catecholaminergic polymorphic ventricular tachycardia (CVPT). Also called: Catecholamine-induced polymorphic ventricular tachycardia. Identifiers: Orphanet 3286, MedGen C5574922, MONDO:0017990.
Cardiomyopathy (CMYO). Also called: Cardiomyopathies. Identifiers: Orphanet 167848, MedGen C0878544, MONDO:0004994, HP:0001638. Inheritance: Various modes of inheritance.
Catecholaminergic polymorphic ventricular tachycardia 1. Also called: VENTRICULAR TACHYCARDIA, CATECHOLAMINERGIC POLYMORPHIC, 1, WITH OR WITHOUT ATRIAL DYSFUNCTION AND/OR DILATED CARDIOMYOPATHY; VENTRICULAR TACHYCARDIA, STRESS-INDUCED POLYMORPHIC 1; RYR2-Related Catecholaminergic Polymorphic Ventricular Tachycardia. Identifiers: Orphanet 3286, MedGen C1631597, MONDO:0011484, OMIM 604772.

Allele frequency attached by ClinVar (database versions not stated): gnomAD exomes below 0.00001 and 0.00001; ExAC 0.00001; gnomAD 0.00001; TOPMed 0.00001.
gnomAD v4.1: 5 of 1,613,772 alleles (0.00031%); highest among the groups gnomAD compares: East Asian, 0.0022%; no homozygotes.

Submissions (3):

Labcorp Genetics (formerly Invitae), Labcorp
Classification: Likely benign for Catecholaminergic polymorphic ventricular tachycardia 1. Last evaluated: 2026-02-04. Review status: criteria provided, single submitter. Criteria: Invitae Variant Classification Sherloc (09022015). Collection method: clinical testing. Allele origin: germline.

All of Us Research Program, National Institutes of Health
Classification: Likely benign for Catecholaminergic polymorphic ventricular tachycardia. Last evaluated: 2023-08-15. Review status: criteria provided, single submitter. Criteria: ACMG Guidelines, 2015. Collection method: clinical testing. Allele origin: germline. Inheritance: Autosomal dominant inheritance. Observed: 1 variant allele, 1 heterozygote.
Comment: This study involves interpretation of variants in research participants for the purpose of population health screening. Participant phenotype was not available at the time of variant classification. Additional details can be found in publication PMID: 35346344, PMCID: PMC8962531

Color Diagnostics, LLC DBA Color Health
Classification: Likely benign for Cardiomyopathy. Last evaluated: 2021-09-21. Review status: criteria provided, single submitter. Criteria: ACMG Guidelines, 2015. Collection method: clinical testing. Allele origin: germline.

NM_001035.3(RYR2):c.3456T>C (p.Tyr1152=)

Gene: RYR2 (ryanodine receptor 2; plus strand). Cytogenetic location: 1q43.
Variant type: single nucleotide variant.
Coding change: c.3456T>C on transcript NM_001035.3 (MANE Select); coding-DNA position 3456, T replaced by C.
Protein change: p.Tyr1152=; no amino-acid change (tyrosine 1152 retained).
Molecular consequence: synonymous variant.
Genome position (GRCh38, 1-based): chr1:237,569,177, T>C. VCF-style: chr1-237569177-T-C. GRCh37 (hg19) VCF-style: chr1-237732477-T-C.
Identifiers: ClinVar variation 1660330 (VCV001660330.11), dbSNP rs762130498, ClinGen allele CA086389.